The following is an entry in ClinVar:

ClinVar aggregate classification (germline): Uncertain significance (1 of 4 stars; one submission).

Conditions:
Inborn genetic diseases. Identifiers: MedGen C0950123, MeSH D030342.

Allele frequency attached by ClinVar (database versions not stated): TOPMed 0.00001.
gnomAD v4.1: 21 of 1,612,604 alleles (0.0013%); highest among the groups gnomAD compares: Non-Finnish European, 0.0016%; no homozygotes.

Submission:

Ambry Genetics
Classification: Uncertain significance for Inborn genetic diseases. Last evaluated: 2020-10-27. Review status: criteria provided, single submitter. Criteria: Ambry Variant Classification Scheme 2023. Collection method: clinical testing. Allele origin: germline.
Comment: The c.824-5C>T intronic variant results from a C to T substitution 5 nucleotides upstream from coding exon 9 in the DNAJB2 gene. This nucleotide position is highly conserved in available vertebrate species. In silico splice site analysis predicts that this alteration will not have any significant effect on splicing. Since supporting evidence is limited at this time, the clinical significance of this alteration remains unclear.

NM_006736.6(DNAJB2):c.*995C>T

Gene: DNAJB2 (DnaJ heat shock protein family (Hsp40) member B2; plus strand). Cytogenetic location: 2q35.
Variant type: single nucleotide variant.
Coding change: c.*995C>T on transcript NM_006736.6 (MANE Select); 995 bases downstream of the stop codon, C replaced by T.
Molecular consequence: 3 prime UTR variant. On other transcripts: intron variant (1).
Genome position (GRCh38, 1-based): chr2:219,285,982, C>T. VCF-style: chr2-219285982-C-T. GRCh37 (hg19) VCF-style: chr2-220150704-C-T.
Other names: c.824-5C>T (NM_001039550.2).
Identifiers: ClinVar variation 1762605 (VCV001762605.2), dbSNP rs765125063, ClinGen allele CA2123178.
Genomic context (GRCh38, chr2:219,285,982, plus strand): 5'-GCCCCATCCTCCACAGCTTGCCGCTGACGCTCTCTCCTGTCACCCCGCCCCTGCTCTCTC[C>T]CCAGATGTGTTCTGAGCTGGATGCCGGGTTCCAGAATCGCTGCACAGTTCCAACAGGACA-3'